The following is an entry in ClinVar:

ClinVar aggregate classification (germline): Likely benign. Review status: criteria provided, multiple submitters, no conflicts (2 of 4 stars). 3 submissions from 3 submitters: Likely benign (2). 1 of the submissions does not count toward it. Last evaluated 2025-03-23.

Conditions:
Cardiovascular phenotype. Identifiers: MedGen CN230736.
ALPK3-related disorder. Also called: ALPK3-related condition.

Allele frequency attached by ClinVar (database versions not stated): TOPMed below 0.00001; ExAC 0.00001; gnomAD 0.00001; gnomAD exomes 0.00001.
gnomAD v4.1: 10 of 1,579,950 alleles (0.00063%); highest among the groups gnomAD compares: South Asian, 0.0047%; no homozygotes.

Submissions (3):

Ambry Genetics
Classification: Likely benign for Cardiovascular phenotype. Last evaluated: 2025-03-23. Review status: criteria provided, single submitter. Criteria: Ambry Variant Classification Scheme 2023. Collection method: clinical testing. Allele origin: germline.

Labcorp Genetics (formerly Invitae), Labcorp
Classification: Likely benign. Last evaluated: 2025-02-05. Review status: criteria provided, single submitter. Criteria: Invitae Variant Classification Sherloc (09022015). Collection method: clinical testing. Allele origin: germline.

PreventionGenetics, part of Exact Sciences
Classification: Likely benign for ALPK3-related condition. Last evaluated: 2020-08-17. Review status: no assertion criteria provided. Collection method: clinical testing. Allele origin: germline. Not counted in ClinVar's aggregate classification.
Comment: This variant is classified as likely benign based on ACMG/AMP sequence variant interpretation guidelines (Richards et al. 2015 PMID: 25741868, with internal and published modifications).

NM_020778.5(ALPK3):c.1383C>T (p.Gly461=)

Gene: ALPK3 (alpha kinase 3; plus strand). Cytogenetic location: 15q25.3.
Variant type: single nucleotide variant.
Coding change: c.1383C>T on transcript NM_020778.5 (MANE Select); coding-DNA position 1383, C replaced by T.
Protein change: p.Gly461=; no amino-acid change (glycine 461 retained).
Molecular consequence: synonymous variant.
Genome position (GRCh38, 1-based): chr15:84,840,662, C>T. VCF-style: chr15-84840662-C-T. GRCh37 (hg19) VCF-style: chr15-85383893-C-T.
Other names: c.1989C>T (NM_020778.4).
Identifiers: ClinVar variation 1605784 (VCV001605784.11), dbSNP rs758092874, ClinGen allele CA7709174.